The following is an entry in ClinVar:

NM_002029.4(FPR1):c.559C>T (p.Pro187Ser)

Gene: FPR1 (formyl peptide receptor 1; minus strand). Cytogenetic location: 19q13.41.
Variant type: single nucleotide variant.
Coding change: c.559C>T on transcript NM_002029.4 (MANE Select); coding-DNA position 559, C replaced by T.
Protein change: p.Pro187Ser; replaces proline 187 with serine.
Molecular consequence: missense variant.
Genome position (GRCh38, 1-based): chr19:51,746,436, G>A on the plus strand (C>T on the coding strand, the complement: FPR1 is on the minus strand). VCF-style: chr19-51746436-G-A. GRCh37 (hg19) VCF-style: chr19-52249689-G-A.
Other names: c.559C>T, p.Pro187Ser (NM_001193306.2); short protein forms P187S.
Identifiers: ClinVar variation 640589 (VCV000640589.14), dbSNP rs139760904, ClinGen allele CA9616435.

ClinVar aggregate classification (germline): Uncertain significance. Review status: criteria provided, multiple submitters, no conflicts (2 of 4 stars). 2 submissions from 2 submitters: Uncertain significance (2). Last evaluated 2025-12-23.

Conditions:
Gingival disorder. Also called: Gingival disease. Identifiers: MedGen C0017563, MONDO:0002021.

Allele frequency attached by ClinVar (database versions not stated): TOPMed 0.00014; 1000 Genomes Project 0.00020; gnomAD 0.00020; ExAC 0.00022; gnomAD exomes 0.00022 and 0.00030; 1000 Genomes Project 30x 0.00031; ESP Exome Variant Server 0.00031.

Submissions (2):

Labcorp Genetics (formerly Invitae), Labcorp
Classification: Uncertain significance for Gingival disorder. Last evaluated: 2025-12-23. Review status: criteria provided, single submitter. Criteria: Invitae Variant Classification Sherloc (09022015). Collection method: clinical testing. Allele origin: germline.
Comment: This sequence change replaces proline, which is neutral and non-polar, with serine, which is neutral and polar, at codon 187 of the FPR1 protein (p.Pro187Ser). This variant is present in population databases (rs139760904, gnomAD 0.04%). This variant has not been reported in the literature in individuals affected with FPR1-related conditions. ClinVar contains an entry for this variant (Variation ID: 640589). An algorithm developed to predict the effect of missense changes on protein structure and function (PolyPhen-2) suggests that this variant is likely to be tolerated. In summary, the available evidence is currently insufficient to determine the role of this variant in disease. Therefore, it has been classified as a Variant of Uncertain Significance.

Ambry Genetics
Classification: Uncertain significance. Last evaluated: 2025-05-21. Review status: criteria provided, single submitter. Criteria: Ambry Variant Classification Scheme 2023. Collection method: clinical testing. Allele origin: germline.